The following is an entry in ClinVar:

NM_001035.3(RYR2):c.7370C>T (p.Ser2457Phe)

Gene: RYR2 (ryanodine receptor 2; plus strand). Cytogenetic location: 1q43.
Variant type: single nucleotide variant.
Coding change: c.7370C>T on transcript NM_001035.3 (MANE Select); coding-DNA position 7370, C replaced by T.
Protein change: p.Ser2457Phe; replaces serine 2457 with phenylalanine.
Molecular consequence: missense variant.
Genome position (GRCh38, 1-based): chr1:237,648,471, C>T. VCF-style: chr1-237648471-C-T. GRCh37 (hg19) VCF-style: chr1-237811771-C-T.
Other names: short protein forms S2457F.
Identifiers: ClinVar variation 3894285 (VCV003894285.1).

ClinVar aggregate classification (germline): Uncertain significance (1 of 4 stars; one submission).

Conditions:
Cardiomyopathy (CMYO). Also called: Cardiomyopathies. Identifiers: Orphanet 167848, MedGen C0878544, MONDO:0004994, HP:0001638. Inheritance: Various modes of inheritance.

Submission:

Color Diagnostics, LLC DBA Color Health
Classification: Uncertain significance for Cardiomyopathy. Last evaluated: 2025-03-31. Review status: criteria provided, single submitter. Criteria: ACMG Guidelines, 2015. Collection method: clinical testing. Allele origin: germline.
Comment: This missense variant replaces serine with phenylalanine at codon 2457 of the RYR2 protein. Computational prediction suggests that this variant may have deleterious impact on protein structure and function (internally defined REVEL score threshold >= 0.7, PMID: 27666373). To our knowledge, functional studies have not been reported for this variant. This variant has not been reported in individuals affected with RYR2-related disorders in the literature. This variant has not been identified in the general population by the Genome Aggregation Database (gnomAD). The available evidence is insufficient to determine the role of this variant in disease conclusively. Therefore, this variant is classified as a Variant of Uncertain Significance.